The following is an entry in ClinVar:

ClinVar aggregate classification (germline): Likely benign (1 of 4 stars; one submission).

Conditions:
TSPYL1-related disorder. Also called: TSPYL1-related condition.

gnomAD v4.1: 72 of 1,602,132 alleles (0.0045%); highest among the groups gnomAD compares: African/African-American, 0.093%; no homozygotes.

Submission:

PreventionGenetics, part of Exact Sciences
Classification: Likely benign for TSPYL1-related condition. Last evaluated: 2025-04-27. Review status: criteria provided, single submitter. Criteria: ACMG Guidelines, 2015. Collection method: clinical testing. Allele origin: germline.
Comment: This variant is classified as likely benign based on ACMG/AMP sequence variant interpretation guidelines (Richards et al. 2015 PMID: 25741868, with internal and published modifications).

NM_003309.4(TSPYL1):c.240T>C (p.Thr80=)

Genes: DSE (dermatan sulfate epimerase; plus strand), TSPYL1 (TSPY like 1; minus strand), LOC129997035 (ATAC-STARR-seq lymphoblastoid active region 24984; plus strand). Cytogenetic location: 6q22.1.
Variant type: single nucleotide variant.
Coding change: c.240T>C on transcript NM_003309.4 (MANE Select); coding-DNA position 240, T replaced by C.
Protein change: p.Thr80=; no amino-acid change (threonine 80 retained).
Molecular consequence: synonymous variant. On other transcripts: intron variant (6).
Genome position (GRCh38, 1-based): chr6:116,279,591, A>G on the plus strand (T>C on the coding strand, the complement: TSPYL1 is on the minus strand). VCF-style: chr6-116279591-A-G. GRCh37 (hg19) VCF-style: chr6-116600754-A-G.
Other names: c.-954+20624A>G (NM_001374520.1); c.-54+20624A>G (NM_001322937.2, NM_001322938.2, NM_001374522.1); c.-641+20624A>G (NM_001374521.1); c.-611+20624A>G (NM_001322940.2).
Identifiers: ClinVar variation 4981527 (VCV004981527.1).